The following is an entry in ClinVar:

ClinVar aggregate classification (germline): Uncertain significance (1 of 4 stars; one submission).

gnomAD v4.1: 1 of 1,614,156 alleles (0.000062%); highest among the groups gnomAD compares: Non-Finnish European, 0.000085%; no homozygotes.

Submission:

CeGaT Center for Human Genetics Tuebingen
Classification: Uncertain significance. Last evaluated: 2023-08-01. Review status: criteria provided, single submitter. Criteria: CeGaT Center For Human Genetics Tuebingen Variant Classification Criteria Version 2. Collection method: clinical testing. Allele origin: germline. Affected: yes. Observed: 1 variant allele.
Comment: SRRM2: PM2

NM_016333.4(SRRM2):c.4978G>C (p.Glu1660Gln)

Gene: SRRM2 (serine/arginine repetitive matrix 2; plus strand). Cytogenetic location: 16p13.3.
Variant type: single nucleotide variant.
Coding change: c.4978G>C on transcript NM_016333.4 (MANE Select); coding-DNA position 4978, G replaced by C.
Protein change: p.Glu1660Gln; replaces glutamic acid 1660 with glutamine.
Molecular consequence: missense variant.
Genome position (GRCh38, 1-based): chr16:2,765,506, G>C. VCF-style: chr16-2765506-G-C. GRCh37 (hg19) VCF-style: chr16-2815507-G-C.
Other names: short protein forms E1660Q.
Identifiers: ClinVar variation 2646076 (VCV002646076.24), dbSNP rs2068508538, ClinGen allele CA394421619.
Genomic context (GRCh38, chr16:2,765,506, plus strand): 5'-TCATCAAGCAAAGGCAGAGGCCCTTCTCCTGAAGGAAGCAGCAGTACCGAGTCCTCTCCT[G>C]AACATCCGCCCAAATCCAGAACTGCTCGCAGAGGTTCCAGGTCATCACCAGAGCCCAAGA-3'
Protein context (NP_057417.3, residues 1650-1670): EGSSSTESSP[Glu1660Gln]HPPKSRTARR